The following is an entry in ClinVar:

ClinVar aggregate classification (germline): Uncertain significance. Review status: criteria provided, multiple submitters, no conflicts (2 of 4 stars). 3 submissions from 3 submitters: Uncertain significance (3). Last evaluated 2024-05-27.

Conditions:
Hereditary cancer-predisposing syndrome. Also called: Neoplastic Syndromes, Hereditary; Tumor predisposition; Hereditary Cancer Syndrome; Hereditary neoplastic syndrome. Identifiers: Orphanet 140162, MedGen C0027672, MeSH D009386, MONDO:0015356.
Familial cancer of breast. Also called: hereditary breast carcinoma; Hereditary breast cancer; BREAST CANCER, FAMILIAL. Identifiers: Orphanet 227535, MedGen C0346153, MONDO:0016419, OMIM 114480. Disease mechanism: loss of function.

Allele frequency attached by ClinVar (database versions not stated): gnomAD below 0.00001 and 0.00001; TOPMed below 0.00001; gnomAD exomes 0.00001; ExAC 0.00002.
gnomAD v4.1: 11 of 1,613,986 alleles (0.00068%); highest among the groups gnomAD compares: Admixed American, 0.0033%; no homozygotes.

Submissions (3):

KCCC/NGS Laboratory, Kuwait Cancer Control Center
Classification: Uncertain significance for Familial cancer of breast. Last evaluated: 2024-05-27. Review status: criteria provided, single submitter. Criteria: ACMG Guidelines, 2015. Collection method: clinical testing. Allele origin: germline. Inheritance: Autosomal dominant inheritance. Affected: yes. Observed: 1 heterozygote.
Comment: This sequence change replaces isoleucine, which is neutral and non-polar, with threonine, which is neutral and polar, at codon 1163 of the RAD50 protein (p.Ile1163Thr). This amino acid position is well conserved (PhyloP=7.7) . This variant is present in population databases (rs759753449, gnomAD 0.006%). This variant has not been reported in the literature in individuals affected with RAD50-related conditions. ClinVar contains an entry for this variant (Variation ID: 457453). In addition, this alteration is predicted to be deleterious by in silico analysis. In summary, the available evidence is currently insufficient to determine the role of this variant in disease. Therefore, it has been classified as a Variant of Uncertain Significance.

Ambry Genetics
Classification: Uncertain significance for Hereditary cancer-predisposing syndrome. Last evaluated: 2024-05-21. Review status: criteria provided, single submitter. Criteria: Ambry Variant Classification Scheme 2023. Collection method: clinical testing. Allele origin: germline.
Comment: The p.I1163T variant (also known as c.3488T>C), located in coding exon 23 of the RAD50 gene, results from a T to C substitution at nucleotide position 3488. The isoleucine at codon 1163 is replaced by threonine, an amino acid with similar properties. This amino acid position is well conserved in available vertebrate species. In addition, this alteration is predicted to be deleterious by in silico analysis. Since supporting evidence is limited at this time, the clinical significance of this alteration remains unclear.

Labcorp Genetics (formerly Invitae), Labcorp
Classification: Uncertain significance for Hereditary cancer-predisposing syndrome. Last evaluated: 2023-11-07. Review status: criteria provided, single submitter. Criteria: Invitae Variant Classification Sherloc (09022015). Collection method: clinical testing. Allele origin: germline.
Comment: This sequence change replaces isoleucine, which is neutral and non-polar, with threonine, which is neutral and polar, at codon 1163 of the RAD50 protein (p.Ile1163Thr). This variant is present in population databases (rs759753449, gnomAD 0.006%). This variant has not been reported in the literature in individuals affected with RAD50-related conditions. ClinVar contains an entry for this variant (Variation ID: 457453). Advanced modeling of protein sequence and biophysical properties (such as structural, functional, and spatial information, amino acid conservation, physicochemical variation, residue mobility, and thermodynamic stability) performed at Invitae indicates that this missense variant is expected to disrupt RAD50 protein function with a positive predictive value of 80%. In summary, the available evidence is currently insufficient to determine the role of this variant in disease. Therefore, it has been classified as a Variant of Uncertain Significance.

NM_005732.4(RAD50):c.3488T>C (p.Ile1163Thr)

Genes: TH2-LCR (Th2 cytokine locus control region; plus strand), TH2LCRR (T helper type 2 locus control region associated RNA; minus strand), RAD50 (RAD50 double strand break repair protein; plus strand). Cytogenetic location: 5q31.1.
Variant type: single nucleotide variant.
Coding change: c.3488T>C on transcript NM_005732.4 (MANE Select); coding-DNA position 3488, T replaced by C.
Protein change: p.Ile1163Thr; replaces isoleucine 1163 with threonine.
Molecular consequence: missense variant. On other transcripts: non-coding transcript variant (2).
Genome position (GRCh38, 1-based): chr5:132,638,093, T>C. VCF-style: chr5-132638093-T-C. GRCh37 (hg19) VCF-style: chr5-131973785-T-C.
Other names: short protein forms I1163T.
Identifiers: ClinVar variation 457453 (VCV000457453.17), dbSNP rs759753449, ClinGen allele CA3405600.